The following is an entry in ClinVar:

NM_138694.4(PKHD1):c.11219C>T (p.Pro3740Leu)

Gene: PKHD1 (PKHD1 ciliary IPT domain containing fibrocystin/polyductin; minus strand). Cytogenetic location: 6p12.3.
Variant type: single nucleotide variant.
Coding change: c.11219C>T on transcript NM_138694.4 (MANE Select); coding-DNA position 11219, C replaced by T.
Protein change: p.Pro3740Leu; replaces proline 3740 with leucine.
Molecular consequence: missense variant.
Genome position (GRCh38, 1-based): chr6:51,649,176, G>A on the plus strand (C>T on the coding strand, the complement: PKHD1 is on the minus strand). VCF-style: chr6-51649176-G-A. GRCh37 (hg19) VCF-style: chr6-51513974-G-A.
Other names: c.11219C>T (NM_138694.3); short protein forms P3740L.
Identifiers: ClinVar variation 1509249 (VCV001509249.9), dbSNP rs2150367118, ClinGen allele CA364426377.

ClinVar aggregate classification (germline): Conflicting classifications of pathogenicity. Review status: criteria provided, conflicting classifications (1 of 4 stars). 2 submissions from 2 submitters: Likely pathogenic (1); Uncertain significance (1). Last evaluated 2025-08-21.

Conditions:
Autosomal recessive polycystic kidney disease (ARPKD). Also called: AR polycystic kidney disease. Identifiers: Orphanet 731, Orphanet 8378, MedGen C0085548, MeSH D017044, MONDO:0009889.

Submissions (2):

Labcorp Genetics (formerly Invitae), Labcorp
Classification: Likely pathogenic for Autosomal recessive polycystic kidney disease. Last evaluated: 2025-08-21. Review status: criteria provided, single submitter. Criteria: Invitae Variant Classification Sherloc (09022015). Collection method: clinical testing. Allele origin: germline.
Comment: This sequence change replaces proline, which is neutral and non-polar, with leucine, which is neutral and non-polar, at codon 3740 of the PKHD1 protein (p.Pro3740Leu). This variant is not present in population databases (gnomAD no frequency). This missense change has been observed in individual(s) with polycystic kidney disease (PMID: 35812281). ClinVar contains an entry for this variant (Variation ID: 1509249). Invitae Evidence Modeling of protein sequence and biophysical properties (such as structural, functional, and spatial information, amino acid conservation, physicochemical variation, residue mobility, and thermodynamic stability) indicates that this missense variant is expected to disrupt PKHD1 protein function with a positive predictive value of 95%. This variant disrupts the p.Pro3740 amino acid residue in PKHD1. Other variant(s) that disrupt this residue have been determined to be pathogenic (PMID: 15698423). This suggests that this residue is clinically significant, and that variants that disrupt this residue are likely to be disease-causing. In summary, the currently available evidence indicates that the variant is pathogenic, but additional data are needed to prove that conclusively. Therefore, this variant has been classified as Likely Pathogenic.

GeneDx
Classification: Uncertain significance. Last evaluated: 2025-05-28. Review status: criteria provided, single submitter. Criteria: GeneDx Variant Classification Process June 2021. Collection method: clinical testing. Allele origin: germline. Affected: yes.
Comment: Reported with a second variant (phase unknown) in two siblings with PKD in published literature (PMID: 35812281); Not observed at significant frequency in large population cohorts (gnomAD); In silico analysis supports that this missense variant has a deleterious effect on protein structure/function; This variant is associated with the following publications: (PMID: 35812281)

Literature cited by the submitters: PubMed 35812281 (cited by Labcorp Genetics (formerly Invitae), Labcorp); PubMed 15698423 (cited by Labcorp Genetics (formerly Invitae), Labcorp).